The following is an entry in ClinVar:

NM_002948.5(RPL15):c.314G>T (p.Arg105Leu)

Genes: NKIRAS1 (NFKB inhibitor interacting Ras like 1; minus strand), RPL15 (ribosomal protein L15; plus strand). Cytogenetic location: 3p24.2.
Variant type: single nucleotide variant.
Coding change: c.314G>T on transcript NM_002948.5 (MANE Select); coding-DNA position 314, G replaced by T.
Protein change: p.Arg105Leu; replaces arginine 105 with leucine.
Molecular consequence: missense variant. On other transcripts: intron variant (1).
Genome position (GRCh38, 1-based): chr3:23,919,200, G>T. VCF-style: chr3-23919200-G-T. GRCh37 (hg19) VCF-style: chr3-23960691-G-T.
Other names: c.314G>T, p.Arg105Leu (NM_001253379.2, NM_001253380.2, NM_001253382.2 and 2 more transcripts); c.-139-7750C>A (NM_001377380.1); short protein forms R105L.
Identifiers: ClinVar variation 870411 (VCV000870411.4), dbSNP rs1704930969, ClinGen allele CA351881894.

ClinVar aggregate classification (germline): Likely pathogenic (1 of 4 stars; one submission).

Conditions:
Diamond-Blackfan anemia 12 (DBA12). Also called: RPL15-Related Diamond-Blackfan Anemia. Identifiers: Orphanet 124, MedGen C3809888, MONDO:0014245, OMIM 615550.

Submission:

Victorian Clinical Genetics Services, Murdoch Childrens Research Institute
Classification: Likely pathogenic for Diamond-Blackfan anemia 12. Last evaluated: 2018-06-04. Review status: criteria provided, single submitter. Criteria: ACMG Guidelines, 2015. Collection method: clinical testing. Allele origin: de novo. Affected: yes. Observed: 1 variant allele.
Comment: A heterozygous missense variant, NM_002948.3(RPL15):c.314G>T, has been identified in exon 4 of 4 of the RPL15 gene. The variant is predicted to result in a major amino acid change from an arginine to a leucine at position 105 of the protein, NP_002939.2(RPL15):p.(Arg105Leu). The arginine residue at this position has very high conservation (100 vertebrates, UCSC), and is located at a predicted mono-methylation site (PDB database). In silico predictions for this variant are conflicting (Polyphen, SIFT, CADD, Mutation Taster). The variant is absent in population databases (gnomAD, dbSNP, 1000G) and has not been previously reported in clinical cases. Analysis of parental samples has shown this variant to be de novo. Based on the information available at the time of curation, this variant has been classified as LIKELY PATHOGENIC.